The following is an entry in ClinVar:

ClinVar aggregate classification (germline): Uncertain significance. Review status: criteria provided, multiple submitters, no conflicts (2 of 4 stars). 3 submissions from 3 submitters: Uncertain significance (3). Last evaluated 2025-11-15.

Conditions:
Hereditary cancer-predisposing syndrome. Also called: Neoplastic Syndromes, Hereditary; Tumor predisposition; Hereditary Cancer Syndrome; Hereditary neoplastic syndrome. Identifiers: Orphanet 140162, MedGen C0027672, MeSH D009386, MONDO:0015356.
Endometrial carcinoma. Also called: Endometrial carcinoma, somatic. Identifiers: MedGen C0476089, MONDO:0002447, OMIM 608089, HP:0012114.

Submissions (3):

Ambry Genetics
Classification: Uncertain significance for Hereditary cancer-predisposing syndrome. Last evaluated: 2025-11-15. Review status: criteria provided, single submitter. Criteria: Ambry Variant Classification Scheme 2023. Collection method: clinical testing. Allele origin: germline.
Comment: The p.L1017I variant (also known as c.3049C>A), located in coding exon 22 of the MSH3 gene, results from a C to A substitution at nucleotide position 3049. The leucine at codon 1017 is replaced by isoleucine, an amino acid with highly similar properties. This amino acid position is conserved. In addition, the in silico prediction for this alteration is inconclusive. Since supporting evidence is limited at this time, the clinical significance of this alteration remains unclear.

Labcorp Genetics (formerly Invitae), Labcorp
Classification: Uncertain significance. Last evaluated: 2024-02-17. Review status: criteria provided, single submitter. Criteria: Invitae Variant Classification Sherloc (09022015). Collection method: clinical testing. Allele origin: germline.
Comment: This sequence change replaces leucine, which is neutral and non-polar, with isoleucine, which is neutral and non-polar, at codon 1017 of the MSH3 protein (p.Leu1017Ile). This variant is not present in population databases (gnomAD no frequency). This variant has not been reported in the literature in individuals affected with MSH3-related conditions. An algorithm developed to predict the effect of missense changes on protein structure and function (PolyPhen-2) suggests that this variant is likely to be disruptive. In summary, the available evidence is currently insufficient to determine the role of this variant in disease. Therefore, it has been classified as a Variant of Uncertain Significance.

Baylor Genetics
Classification: Uncertain significance for Endometrial carcinoma. Last evaluated: 2023-10-27. Review status: criteria provided, single submitter. Criteria: ACMG Guidelines, 2015. Collection method: clinical testing. Allele origin: unknown.

NM_002439.5(MSH3):c.3049C>A (p.Leu1017Ile)

Gene: MSH3 (mutS homolog 3; plus strand). Cytogenetic location: 5q14.1.
Variant type: single nucleotide variant.
Coding change: c.3049C>A on transcript NM_002439.5 (MANE Select); coding-DNA position 3049, C replaced by A.
Protein change: p.Leu1017Ile; replaces leucine 1017 with isoleucine.
Molecular consequence: missense variant.
Genome position (GRCh38, 1-based): chr5:80,864,861, C>A. VCF-style: chr5-80864861-C-A. GRCh37 (hg19) VCF-style: chr5-80160680-C-A.
Other names: c.3049C>A (NM_002439.3); short protein forms L1017I.
Identifiers: ClinVar variation 2676727 (VCV002676727.5), dbSNP rs2112118424, ClinGen allele CA360346218.